The following is an entry in ClinVar:

ClinVar aggregate classification (germline): Likely benign (0 of 4 stars; one submission).

Conditions:
NSMF-related disorder. Also called: NSMF-related condition.

Allele frequency attached by ClinVar (database versions not stated): gnomAD 0.00001; TOPMed 0.00005.
gnomAD v4.1: 16 of 1,558,198 alleles (0.001%); highest among the groups gnomAD compares: African/African-American, 0.0041%; no homozygotes.

Submission:

PreventionGenetics, part of Exact Sciences
Classification: Likely benign for NSMF-related condition. Last evaluated: 2020-03-24. Review status: no assertion criteria provided. Collection method: clinical testing. Allele origin: germline.
Comment: This variant is classified as likely benign based on ACMG/AMP sequence variant interpretation guidelines (Richards et al. 2015 PMID: 25741868, with internal and published modifications).

NM_001130969.3(NSMF):c.228C>T (p.Asn76=)

Gene: NSMF (NMDA receptor synaptonuclear signaling and neuronal migration factor; minus strand). Cytogenetic location: 9q34.3.
Variant type: single nucleotide variant.
Coding change: c.228C>T on transcript NM_001130969.3 (MANE Select); coding-DNA position 228, C replaced by T.
Protein change: p.Asn76=; no amino-acid change (asparagine 76 retained).
Molecular consequence: synonymous variant.
Genome position (GRCh38, 1-based): chr9:137,457,807, G>A on the plus strand (C>T on the coding strand, the complement: NSMF is on the minus strand). VCF-style: chr9-137457807-G-A. GRCh37 (hg19) VCF-style: chr9-140352259-G-A.
Other names: c.228C>T, p.Asn76= (NM_001130970.2, NM_001130971.2, NM_001178064.2 and 2 more transcripts).
Identifiers: ClinVar variation 3046439 (VCV003046439.2), dbSNP rs951171046, ClinGen allele CA201764184.